The following is an entry in ClinVar:

NM_182961.4(SYNE1):c.639del (p.His214fs)

Gene: SYNE1 (spectrin repeat containing nuclear envelope protein 1; minus strand). Cytogenetic location: 6q25.2.
Variant type: Deletion.
Coding change: c.639del on transcript NM_182961.4 (MANE Select); coding-DNA position 639, one base deleted (T; older notation c.639delT).
Protein change: p.His214fs; shifts the reading frame from histidine 214.
Molecular consequence: frameshift variant.
Genome position (GRCh38, 1-based): chr6:152,505,340, A deleted on the plus strand (T on the coding strand, the reverse complement: SYNE1 is on the minus strand); the first of 3 consecutive A bases (chr6:152,505,340-152,505,342); deleting any one gives the same sequence. VCF-style (leftmost placement, unchanged base first): chr6-152505339-GA-G. GRCh37 (hg19) VCF-style: chr6-152826474-GA-G.
Other names: c.660del (NM_033071.3); c.660delT (NM_033071.3); c.660del, p.His221fs (NM_033071.5); short protein forms H221fs, H214fs.
Identifiers: ClinVar variation 502007 (VCV000502007.13), dbSNP rs1412791793, ClinGen allele CA571149263.

ClinVar aggregate classification (germline): Pathogenic/Likely pathogenic. Review status: criteria provided, multiple submitters, no conflicts (2 of 4 stars). 4 submissions from 4 submitters: Pathogenic (2); Likely pathogenic (2). Last evaluated 2025-07-23.

Conditions:
Arthrogryposis multiplex congenita 3, myogenic type. Also called: ARTHROGRYPOSIS MULTIPLEX CONGENITA, MYOGENIC TYPE. Identifiers: MedGen C5193121, MONDO:0032778, OMIM 618484.
Autosomal recessive ataxia, Beauce type. Also called: SYNE1 Deficiency; Spinocerebellar ataxia, autosomal recessive 8; ATAXIA, RECESSIVE, OF BEAUCE; SYNE1-Related Autosomal Recessive Cerebellar Ataxia. Identifiers: Orphanet 88644, MedGen C1853116, MONDO:0012549, OMIM 610743.
Emery-Dreifuss muscular dystrophy 4, autosomal dominant (EDMD4). Also called: EMERY-DREIFUSS MUSCULAR DYSTROPHY 4 WITH VARIABLE FEATURES. Identifiers: Orphanet 261, MedGen C2751807, MONDO:0013071, OMIM 612998.
SYNE1-related disorder. Also called: SYNE1-related disorders; SYNE1-related disease; SYNE1-related condition.

Submissions (4):

PreventionGenetics, part of Exact Sciences
Classification: Likely pathogenic for SYNE1-related condition. Last evaluated: 2025-07-23. Review status: criteria provided, single submitter. Criteria: ACMG Guidelines, 2015. Collection method: clinical testing. Allele origin: germline.
Comment: The SYNE1 c.660delT variant is predicted to result in a frameshift and premature protein termination (p.His221Ilefs*17). To our knowledge, this variant has not been reported in the literature. This variant is reported in 0.0065% of alleles in individuals of European (Non-Finnish) descent in gnomAD. Frameshift variants in SYNE1 are expected to be pathogenic. This variant is interpreted as likely pathogenic.

Labcorp Genetics (formerly Invitae), Labcorp
Classification: Pathogenic for Emery-Dreifuss muscular dystrophy 4, autosomal dominant; Autosomal recessive ataxia, Beauce type. Last evaluated: 2023-10-23. Review status: criteria provided, single submitter. Criteria: Invitae Variant Classification Sherloc (09022015). Collection method: clinical testing. Allele origin: germline.
Comment: This sequence change creates a premature translational stop signal (p.His221Ilefs*17) in the SYNE1 gene. It is expected to result in an absent or disrupted protein product. Loss-of-function variants in SYNE1 are known to be pathogenic (PMID: 19542096, 24319099, 27086870). This variant is present in population databases (no rsID available, gnomAD 0.02%). This variant has not been reported in the literature in individuals affected with SYNE1-related conditions. ClinVar contains an entry for this variant (Variation ID: 502007). For these reasons, this variant has been classified as Pathogenic.

Athena Diagnostics
Classification: Likely pathogenic. Last evaluated: 2021-06-09. Review status: criteria provided, single submitter. Criteria: Athena Diagnostics Criteria. Collection method: clinical testing. Allele origin: unknown.
Comment: This variant is expected to result in the loss of a functional protein. The frequency of this variant in the general population is consistent with pathogenicity.

Eurofins Ntd Llc (ga)
Classification: Pathogenic. Last evaluated: 2017-05-15. Review status: criteria provided, single submitter. Criteria: EGL Classification Definitions 2015. Collection method: clinical testing. Allele origin: germline. Observed: 1 variant allele, 1 heterozygote.

Literature cited by the submitters: PubMed 19542096 (cited by Labcorp Genetics (formerly Invitae), Labcorp); PubMed 24319099 (cited by Labcorp Genetics (formerly Invitae), Labcorp); PubMed 27086870 (cited by Labcorp Genetics (formerly Invitae), Labcorp).